The following is an entry in ClinVar:

NM_006005.3(WFS1):c.416G>A (p.Arg139His)

Gene: WFS1 (wolframin ER transmembrane glycoprotein; plus strand). Cytogenetic location: 4p16.1.
Variant type: single nucleotide variant.
Coding change: c.416G>A on transcript NM_006005.3 (MANE Select); coding-DNA position 416, G replaced by A.
Protein change: p.Arg139His; replaces arginine 139 with histidine.
Molecular consequence: missense variant.
Genome position (GRCh38, 1-based): chr4:6,289,087, G>A. VCF-style: chr4-6289087-G-A. GRCh37 (hg19) VCF-style: chr4-6290814-G-A.
Other names: c.416G>A, p.Arg139His (NM_001145853.1); short protein forms R139H.
Identifiers: ClinVar variation 1200124 (VCV001200124.15), dbSNP rs374642910, ClinGen allele CA2838888.

ClinVar aggregate classification (germline): Uncertain significance. Review status: criteria provided, multiple submitters, no conflicts (2 of 4 stars). 3 submissions from 3 submitters: Uncertain significance (3). Last evaluated 2025-09-16.

Allele frequency attached by ClinVar (database versions not stated): gnomAD exomes 0.00005 and 0.00010; ExAC 0.00007; gnomAD 0.00009 and 0.00010; TOPMed 0.00009; ESP Exome Variant Server 0.00031.
gnomAD v4.1: 158 of 1,585,152 alleles (0.01%); highest among the groups gnomAD compares: Non-Finnish European, 0.013%; 1 homozygote.

Submissions (3):

Labcorp Genetics (formerly Invitae), Labcorp
Classification: Uncertain significance. Last evaluated: 2025-09-16. Review status: criteria provided, single submitter. Criteria: Invitae Variant Classification Sherloc (09022015). Collection method: clinical testing. Allele origin: germline.
Comment: This sequence change replaces arginine, which is basic and polar, with histidine, which is basic and polar, at codon 139 of the WFS1 protein (p.Arg139His). This variant is present in population databases (rs374642910, gnomAD 0.009%). This variant has not been reported in the literature in individuals affected with WFS1-related conditions. ClinVar contains an entry for this variant (Variation ID: 1200124). Invitae Evidence Modeling of protein sequence and biophysical properties (such as structural, functional, and spatial information, amino acid conservation, physicochemical variation, residue mobility, and thermodynamic stability) indicates that this missense variant is not expected to disrupt WFS1 protein function with a negative predictive value of 80%. In summary, the available evidence is currently insufficient to determine the role of this variant in disease. Therefore, it has been classified as a Variant of Uncertain Significance.

GeneDx
Classification: Uncertain significance. Last evaluated: 2025-03-07. Review status: criteria provided, single submitter. Criteria: GeneDx Variant Classification Process June 2021. Collection method: clinical testing. Allele origin: germline. Affected: yes.
Comment: In silico analysis indicates that this missense variant does not alter protein structure/function; Has not been previously published as pathogenic or benign to our knowledge

Blueprint Genetics
Classification: Uncertain significance. Last evaluated: 2024-08-26. Review status: criteria provided, single submitter. Criteria: ACMG Guidelines, 2015. Collection method: clinical testing. Allele origin: germline.